The following is an entry in ClinVar:

ClinVar aggregate classification (germline): Uncertain significance. Review status: criteria provided, multiple submitters, no conflicts (2 of 4 stars). 2 submissions from 2 submitters: Uncertain significance (2). Last evaluated 2025-07-01.

Conditions:
Intellectual developmental disorder, autosomal recessive 54. Also called: Intellectual disability, autosomal recessive 54. Identifiers: Orphanet 88616, MedGen C4310755, MONDO:0014876, OMIM 617028.

Allele frequency attached by ClinVar (database versions not stated): ExAC 0.00005; gnomAD 0.00005; ESP Exome Variant Server 0.00008; 1000 Genomes Project 30x 0.00016.
gnomAD v4.1: 65 of 1,559,762 alleles (0.0042%); highest among the groups gnomAD compares: Admixed American, 0.0077%; no homozygotes.

Submissions (2):

CeGaT Center for Human Genetics Tuebingen
Classification: Uncertain significance. Last evaluated: 2025-07-01. Review status: criteria provided, single submitter. Criteria: CeGaT Center For Human Genetics Tuebingen Variant Classification Criteria Version 2. Collection method: clinical testing. Allele origin: germline. Affected: yes. Observed: 1 variant allele.
Comment: TNIK: PM2

Revvity Omics, Revvity
Classification: Uncertain significance for Intellectual developmental disorder, autosomal recessive 54. Last evaluated: 2023-07-04. Review status: criteria provided, single submitter. Criteria: ACMG Guidelines, 2015. Collection method: clinical testing. Allele origin: germline.

NM_015028.4(TNIK):c.1633C>T (p.Arg545Trp)

Gene: TNIK (TRAF2 and NCK interacting kinase; minus strand). Cytogenetic location: 3q26.2.
Variant type: single nucleotide variant.
Coding change: c.1633C>T on transcript NM_015028.4 (MANE Select); coding-DNA position 1633, C replaced by T.
Protein change: p.Arg545Trp; replaces arginine 545 with tryptophan.
Molecular consequence: missense variant. On other transcripts: intron variant (4).
Genome position (GRCh38, 1-based): chr3:171,128,854, G>A on the plus strand (C>T on the coding strand, the complement: TNIK is on the minus strand). VCF-style: chr3-171128854-G-A. GRCh37 (hg19) VCF-style: chr3-170846643-G-A.
Other names: c.1633C>T, p.Arg545Trp (NM_001161560.3); c.1546C>T, p.Arg516Trp (NM_001161561.3, NM_001161562.3); c.1522-2703C>T (NM_001161566.3, NM_001161565.3); c.1609-2703C>T (NM_001161564.3, NM_001161563.3); short protein forms R516W, R545W.
Identifiers: ClinVar variation 2690243 (VCV002690243.10), dbSNP rs200431570, ClinGen allele CA2703430.